The following is an entry in ClinVar:

NM_001347721.2(DYRK1A):c.1071+4A>C

Gene: DYRK1A (dual specificity tyrosine phosphorylation regulated kinase 1A; plus strand). Cytogenetic location: 21q22.13.
Variant type: single nucleotide variant.
Coding change: c.1071+4A>C on transcript NM_001347721.2 (MANE Select); 4 bases into the intron after coding-DNA position 1071, A replaced by C.
Molecular consequence: intron variant.
Genome position (GRCh38, 1-based): chr21:37,493,167, A>C. VCF-style: chr21-37493167-A-C. GRCh37 (hg19) VCF-style: chr21-38865469-A-C.
Other names: c.1098+4A>C (NM_001396.5, NM_101395.2, NM_130438.2); c.1071+4A>C (NM_001347722.2, NM_130436.2); c.984+4A>C (NM_001347723.2).
Identifiers: ClinVar variation 2888664 (VCV002888664.3), dbSNP rs1426932264, ClinGen allele CA637797286.
Genomic context (GRCh38, chr21:37,493,167, plus strand): 5'-GGGTGTATTTTGGTTGAAATGCACACTGGAGAACCTCTGTTCAGTGGTGCCAATGAGGTA[A>C]ATGATGTATTGCTTTACAAATTCTGTTTTCATAATTTCTTTTTGTCTTTCATCTGTGACA-3'

ClinVar aggregate classification (germline): Uncertain significance (1 of 4 stars; one submission).

Conditions:
DYRK1A-related intellectual disability syndrome (MRD7). Also called: DYRK1A Syndrome; Intellectual developmental disorder, autosomal dominant 7. Identifiers: Orphanet 464306, MedGen C5568143, MONDO:0013578, OMIM 614104.

Allele frequency attached by ClinVar (database versions not stated): TOPMed below 0.00001; gnomAD exomes 0.00001.
gnomAD v4.1: 4 of 1,594,764 alleles (0.00025%); highest among the groups gnomAD compares: Non-Finnish European, 0.00034%; no homozygotes.

Submission:

Labcorp Genetics (formerly Invitae), Labcorp
Classification: Uncertain significance for DYRK1A-related intellectual disability syndrome. Last evaluated: 2024-10-23. Review status: criteria provided, single submitter. Criteria: Invitae Variant Classification Sherloc (09022015). Collection method: clinical testing. Allele origin: germline.
Comment: This sequence change falls in intron 7 of the DYRK1A gene. It does not directly change the encoded amino acid sequence of the DYRK1A protein. It affects a nucleotide within the consensus splice site. This variant is present in population databases (no rsID available, gnomAD 0.0009%). This variant has not been reported in the literature in individuals affected with DYRK1A-related conditions. Variants that disrupt the consensus splice site are a relatively common cause of aberrant splicing (PMID: 17576681, 9536098). Algorithms developed to predict the effect of sequence changes on RNA splicing suggest that this variant is not likely to affect RNA splicing. In summary, the available evidence is currently insufficient to determine the role of this variant in disease. Therefore, it has been classified as a Variant of Uncertain Significance.

Literature cited by the submitters: PubMed 17576681; PubMed 9536098.